The following is an entry in ClinVar:

ClinVar aggregate classification (germline): Uncertain significance (1 of 4 stars; one submission).

Submission:

Labcorp Genetics (formerly Invitae), Labcorp
Classification: Uncertain significance. Last evaluated: 2026-01-26. Review status: criteria provided, single submitter. Criteria: Invitae Variant Classification Sherloc (09022015). Collection method: clinical testing. Allele origin: germline.
Comment: This sequence change replaces glutamic acid, which is acidic and polar, with glycine, which is neutral and non-polar, at codon 625 of the PRDM13 protein (p.Glu625Gly). This variant is not present in population databases (gnomAD no frequency). This variant has not been reported in the literature in individuals affected with PRDM13-related conditions. ClinVar contains an entry for this variant (Variation ID: 1393142). An algorithm developed to predict the effect of missense changes on protein structure and function (PolyPhen-2) suggests that this variant is likely to be disruptive. In summary, the available evidence is currently insufficient to determine the role of this variant in disease. Therefore, it has been classified as a Variant of Uncertain Significance.

NM_021620.4(PRDM13):c.1874A>G (p.Glu625Gly)

Gene: PRDM13 (PR/SET domain 13; plus strand). Cytogenetic location: 6q16.2.
Variant type: single nucleotide variant.
Coding change: c.1874A>G on transcript NM_021620.4 (MANE Select); coding-DNA position 1874, A replaced by G.
Protein change: p.Glu625Gly; replaces glutamic acid 625 with glycine.
Molecular consequence: missense variant.
Genome position (GRCh38, 1-based): chr6:99,614,509, A>G. VCF-style: chr6-99614509-A-G. GRCh37 (hg19) VCF-style: chr6-100062385-A-G.
Other names: short protein forms E625G.
Identifiers: ClinVar variation 1393142 (VCV001393142.6), dbSNP rs2114501600, ClinGen allele CA365122057.
Genomic context (GRCh38, chr6:99,614,509, plus strand): 5'-TCTGTCTGCGGCCCTTCGGCGACCCCAGCAATCTCAACAAGCACATCCGGCTGCACGCCG[A>G]GGGCAATACGCCCTACCGCTGCGAGTTCTGCGGCAAGGTACTTGTGCGCCGCCGGGACCT-3'
Protein context (NP_067633.2, residues 615-635): NLNKHIRLHA[Glu625Gly]GNTPYRCEFC